The following is an entry in ClinVar:

ClinVar aggregate classification (germline): Uncertain significance. Review status: criteria provided, multiple submitters, no conflicts (2 of 4 stars). 3 submissions from 3 submitters: Uncertain significance (3). Last evaluated 2024-04-16.

Conditions:
Neurofibromatosis, type 1 (NF1). Also called: VON RECKLINGHAUSEN DISEASE; NEUROFIBROMATOSIS, TYPE I, SOMATIC; Peripheral type neurofibromatosis; Neurofibromatosis, type I. Identifiers: Orphanet 636, MedGen C0027831, MONDO:0018975, OMIM 162200. Disease mechanism: loss of function.
Cardiovascular phenotype. Identifiers: MedGen CN230736.
Hereditary cancer-predisposing syndrome. Also called: Neoplastic Syndromes, Hereditary; Tumor predisposition; Hereditary neoplastic syndrome; Hereditary Cancer Syndrome. Identifiers: Orphanet 140162, MedGen C0027672, MeSH D009386, MONDO:0015356.

gnomAD v4.1: 1 of 1,612,964 alleles (0.000062%); highest among the groups gnomAD compares: Non-Finnish European, 0.000085%; no homozygotes.

Submissions (3):

GeneDx
Classification: Uncertain significance. Last evaluated: 2024-04-16. Review status: criteria provided, single submitter. Criteria: GeneDx Variant Classification Process June 2021. Collection method: clinical testing. Allele origin: germline. Affected: yes.
Comment: Not observed at significant frequency in large population cohorts (gnomAD); In silico analysis supports that this missense variant has a deleterious effect on protein structure/function; Has not been previously published as pathogenic or benign to our knowledge

Labcorp Genetics (formerly Invitae), Labcorp
Classification: Uncertain significance for Neurofibromatosis, type 1. Last evaluated: 2017-08-16. Review status: criteria provided, single submitter. Criteria: Invitae Variant Classification Sherloc (09022015). Collection method: clinical testing. Allele origin: germline.
Comment: This variant is not present in population databases (ExAC no frequency). This sequence change replaces serine with leucine at codon 1546 of the NF1 protein (p.Ser1546Leu). The serine residue is moderately conserved and there is a large physicochemical difference between serine and leucine. This variant has not been reported in the literature in individuals with NF1-related disease. In summary, the available evidence is currently insufficient to determine the role of this variant in disease. Therefore, it has been classified as a Variant of Uncertain Significance. Algorithms developed to predict the effect of missense changes on protein structure and function do not agree on the potential impact of this missense change (SIFT: "Tolerated"; PolyPhen-2: "Probably Damaging"; Align-GVGD: "Class C0").

Ambry Genetics
Classification: Uncertain significance for Cardiovascular phenotype; Hereditary cancer-predisposing syndrome. Last evaluated: 2016-05-23. Review status: criteria provided, single submitter. Criteria: Ambry Variant Classification Scheme 2023. Collection method: clinical testing. Allele origin: germline.
Comment: The p.S1546L variant (also known as c.4637C>T), located in coding exon 34 of the NF1 gene, results from a C to T substitution at nucleotide position 4637. The serine at codon 1546 is replaced by leucine, an amino acid with dissimilar properties. This variant was not reported in population based cohorts in the following databases: Database of Single Nucleotide Polymorphisms (dbSNP), NHLBI Exome Sequencing Project (ESP), and 1000 Genomes Project. In the ESP, this variant was not observed in 6503 samples (13006 alleles) with coverage at this position. This amino acid position is highly conserved in available vertebrate species. In addition, the in silico prediction for this alteration is inconclusive. Since supporting evidence is limited at this time, the clinical significance of this alteration remains unclear.

NM_001042492.3(NF1):c.4700C>T (p.Ser1567Leu)

Gene: NF1 (neurofibromin 1; plus strand). Cytogenetic location: 17q11.2.
Variant type: single nucleotide variant.
Coding change: c.4700C>T on transcript NM_001042492.3 (MANE Select); coding-DNA position 4700, C replaced by T.
Protein change: p.Ser1567Leu; replaces serine 1567 with leucine.
Molecular consequence: missense variant.
Genome position (GRCh38, 1-based): chr17:31,261,833, C>T. VCF-style: chr17-31261833-C-T. GRCh37 (hg19) VCF-style: chr17-29588851-C-T.
Other names: c.4637C>T, p.Ser1546Leu (NM_000267.4); short protein forms S1546L, S1567L.
Identifiers: ClinVar variation 527486 (VCV000527486.9), dbSNP rs1555619051, ClinGen allele CA399000580.